The following is an entry in ClinVar:

NM_004827.3(ABCG2):c.1277+1908T>G

Gene: ABCG2 (ATP binding cassette subfamily G member 2 (JR blood group); minus strand). Cytogenetic location: 4q22.1.
Variant type: single nucleotide variant.
Coding change: c.1277+1908T>G on transcript NM_004827.3 (MANE Select); 1908 bases into the intron after coding-DNA position 1277, T replaced by G.
Molecular consequence: intron variant.
Genome position (GRCh38, 1-based): chr4:88,105,276, A>C on the plus strand (T>G on the coding strand, the complement: ABCG2 is on the minus strand). VCF-style: chr4-88105276-A-C. GRCh37 (hg19) VCF-style: chr4-89026428-A-C.
Other names: c.1277+1908T>G (NM_001257386.2, NM_001348985.1, NM_001348988.1 and 2 more transcripts); c.1271+1908T>G (NM_001348987.1); c.1067+1908T>G (NM_001441211.1, NM_001441212.1); c.1061+1908T>G (NM_001441213.1); c.1124+1908T>G (NM_001441210.1); c.1175+1908T>G (NM_001441209.1); c.1244+1908T>G (NM_001441208.1).
Identifiers: ClinVar variation 1267736 (VCV001267736.2), dbSNP rs2725263, ClinGen allele CA11652855.
Genomic context (GRCh38, chr4:88,105,276, plus strand): 5'-AGTGAGGAACCAACTTTTATGCTTATTCTTTAAAAAATAATCAGCCTTTCCAGACATCAA[A>C]ATAGGCTGCACATAAGCGTCTTCAACTTTCCTCAATAGTAAAATGGGGATACTACCATCT-3'

ClinVar aggregate classification (germline): Benign (1 of 4 stars; one submission).

Allele frequency attached by ClinVar (database versions not stated): gnomAD 0.43184 and 0.43904; TOPMed 0.44047; 1000 Genomes Project 30x 0.41177; 1000 Genomes Project 0.41993.
gnomAD v4.1: 66,909 of 152,044 alleles (44%); highest among the groups gnomAD compares: East Asian, 57%; 16,624 homozygotes.

Submission:

GeneDx
Classification: Benign. Last evaluated: 2019-01-09. Review status: criteria provided, single submitter. Criteria: GeneDx Variant Classification Process June 2021. Collection method: clinical testing. Allele origin: germline. Affected: yes.
Comment: This variant is associated with the following publications: (PMID: 28930109)